The following is an entry in ClinVar:

NM_014339.7(IL17RA):c.1030A>G (p.Thr344Ala)

Genes: IL17RA (interleukin 17 receptor A; plus strand), LOC129391259 (MPRA-validated peak4440 silencer; plus strand). Cytogenetic location: 22q11.1.
Variant type: single nucleotide variant.
Coding change: c.1030A>G on transcript NM_014339.7 (MANE Select); coding-DNA position 1030, A replaced by G.
Protein change: p.Thr344Ala; replaces threonine 344 with alanine.
Molecular consequence: missense variant. On other transcripts: intron variant (1).
Genome position (GRCh38, 1-based): chr22:17,105,939, A>G. VCF-style: chr22-17105939-A-G. GRCh37 (hg19) VCF-style: chr22-17586829-A-G.
Other names: c.943+337A>G (NM_001289905.2); short protein forms T344A.
Identifiers: ClinVar variation 856747 (VCV000856747.11), dbSNP rs2061413259, ClinGen allele CA410214992.

ClinVar aggregate classification (germline): Uncertain significance (1 of 4 stars; one submission).

Conditions:
Immunodeficiency 51 (IMD51). Also called: CANDIDIASIS, FAMILIAL, 5. Identifiers: Orphanet 1334, MedGen C4310803, MONDO:0013500, OMIM 613953.

Submission:

Labcorp Genetics (formerly Invitae), Labcorp
Classification: Uncertain significance for Immunodeficiency 51. Last evaluated: 2019-12-15. Review status: criteria provided, single submitter. Criteria: Invitae Variant Classification Sherloc (09022015). Collection method: clinical testing. Allele origin: germline.
Comment: In summary, the available evidence is currently insufficient to determine the role of this variant in disease. Therefore, it has been classified as a Variant of Uncertain Significance. Algorithms developed to predict the effect of missense changes on protein structure and function output the following: SIFT: "Tolerated"; PolyPhen-2: "Benign"; Align-GVGD: "Class C0". The alanine amino acid residue is found in multiple mammalian species, suggesting that this missense change does not adversely affect protein function. These predictions have not been confirmed by published functional studies and their clinical significance is uncertain. This variant has not been reported in the literature in individuals with IL17RA-related conditions. This variant is not present in population databases (ExAC no frequency). This sequence change replaces threonine with alanine at codon 344 of the IL17RA protein (p.Thr344Ala). The threonine residue is moderately conserved and there is a small physicochemical difference between threonine and alanine.